The following is an entry in ClinVar:

NM_000254.3(MTR):c.1855G>C (p.Val619Leu)

Gene: MTR (5-methyltetrahydrofolate-homocysteine methyltransferase; plus strand). Cytogenetic location: 1q43.
Variant type: single nucleotide variant.
Coding change: c.1855G>C on transcript NM_000254.3 (MANE Select); coding-DNA position 1855, G replaced by C.
Protein change: p.Val619Leu; replaces valine 619 with leucine.
Molecular consequence: missense variant.
Genome position (GRCh38, 1-based): chr1:236,852,990, G>C. VCF-style: chr1-236852990-G-C. GRCh37 (hg19) VCF-style: chr1-237016290-G-C.
Other names: c.1855G>C, p.Val619Leu (NM_001291939.1); c.634G>C, p.Val212Leu (NM_001291940.2); c.1855G>C (NM_000254.2); short protein forms V212L, V619L.
Identifiers: ClinVar variation 1431555 (VCV001431555.9), dbSNP rs557853306, ClinGen allele CA1474197.

ClinVar aggregate classification (germline): Conflicting classifications of pathogenicity. Review status: criteria provided, conflicting classifications (1 of 4 stars). 3 submissions from 3 submitters: Uncertain significance (2); Likely benign (1). Last evaluated 2025-10-07.

Conditions:
Inborn genetic diseases. Identifiers: MedGen C0950123, MeSH D030342.
Methylcobalamin deficiency type cblG (HMAG). Also called: HOMOCYSTINURIA-MEGALOBLASTIC ANEMIA, cblG COMPLEMENTATION TYPE; Functional methionine synthase deficiency type cblG; HOMOCYSTINURIA-MEGALOBLASTIC ANEMIA, cblG TYPE; HOMOCYSTINURIA-MEGALOBLASTIC ANEMIA DUE TO DEFECT IN COBALAMIN METABOLISM, cblG COMPLEMENTATION TYPE. Identifiers: Orphanet 2170, Orphanet 622, MedGen C1855128, MONDO:0009609, OMIM 250940.

Allele frequency attached by ClinVar (database versions not stated): ExAC 0.00002; gnomAD 0.00014; 1000 Genomes Project 30x 0.00016; 1000 Genomes Project 0.00020.
gnomAD v4.1: 49 of 1,614,028 alleles (0.003%); highest among the groups gnomAD compares: African/African-American, 0.047%; no homozygotes.

Submissions (3):

Labcorp Genetics (formerly Invitae), Labcorp
Classification: Likely benign for Methylcobalamin deficiency type cblG. Last evaluated: 2025-10-07. Review status: criteria provided, single submitter. Criteria: Invitae Variant Classification Sherloc (09022015). Collection method: clinical testing. Allele origin: germline.

GeneDx
Classification: Uncertain significance. Last evaluated: 2024-05-02. Review status: criteria provided, single submitter. Criteria: GeneDx Variant Classification Process June 2021. Collection method: clinical testing. Allele origin: germline. Affected: yes.
Comment: In silico analysis indicates that this missense variant does not alter protein structure/function; Has not been previously published as pathogenic or benign to our knowledge

Ambry Genetics
Classification: Uncertain significance for Inborn genetic diseases. Last evaluated: 2023-12-14. Review status: criteria provided, single submitter. Criteria: Ambry Variant Classification Scheme 2023. Collection method: clinical testing. Allele origin: germline.